The following is an entry in ClinVar:

NM_000051.4(ATM):c.8106A>G (p.Ile2702Met)

Genes: C11orf65 (chromosome 11 open reading frame 65; minus strand), ATM (ATM serine/threonine kinase; plus strand). Cytogenetic location: 11q22.3.
Variant type: single nucleotide variant.
Coding change: c.8106A>G on transcript NM_000051.4 (MANE Select); coding-DNA position 8106, A replaced by G.
Protein change: p.Ile2702Met; replaces isoleucine 2702 with methionine.
Molecular consequence: missense variant. On other transcripts: intron variant (2).
Genome position (GRCh38, 1-based): chr11:108,335,064, A>G. VCF-style: chr11-108335064-A-G. GRCh37 (hg19) VCF-style: chr11-108205791-A-G.
Other names: c.8106A>G, p.Ile2702Met (NM_001351834.2); c.641-25993T>C (NM_001330368.2); c.*38+156T>C (NM_001351110.2); short protein forms I2702M.
Identifiers: ClinVar variation 1022381 (VCV001022381.11), dbSNP rs2086684779, ClinGen allele CA382562118.

ClinVar aggregate classification (germline): Uncertain significance. Review status: criteria provided, multiple submitters, no conflicts (2 of 4 stars). 3 submissions from 3 submitters: Uncertain significance (3). Last evaluated 2026-01-21.

Conditions:
Hereditary cancer-predisposing syndrome. Also called: Neoplastic Syndromes, Hereditary; Tumor predisposition; Hereditary Cancer Syndrome; Hereditary neoplastic syndrome. Identifiers: Orphanet 140162, MedGen C0027672, MeSH D009386, MONDO:0015356.
Familial cancer of breast. Also called: Hereditary breast cancer; hereditary breast carcinoma; BREAST CANCER, FAMILIAL. Identifiers: Orphanet 227535, MedGen C0346153, MONDO:0016419, OMIM 114480. Disease mechanism: loss of function.
Ataxia-telangiectasia syndrome (AT). Also called: Ataxia telangiectasia (A-T); ATAXIA-TELANGIECTASIA, COMPLEMENTATION GROUP A; ATAXIA-TELANGIECTASIA, FRESNO VARIANT; Ataxia-telangiectasia; Ataxia-telangiectasia, complementation group E; LOUIS-BAR SYNDROME. Identifiers: Orphanet 100, MedGen C0004135, MONDO:0008840, OMIM 208900.

Submissions (3):

Ambry Genetics
Classification: Uncertain significance for Hereditary cancer-predisposing syndrome. Last evaluated: 2026-01-21. Review status: criteria provided, single submitter. Criteria: Ambry Variant Classification Scheme 2023. Collection method: clinical testing. Allele origin: germline.
Comment: The p.I2702M variant (also known as c.8106A>G), located in coding exon 54 of the ATM gene, results from an A to G substitution at nucleotide position 8106. The isoleucine at codon 2702 is replaced by methionine, an amino acid with highly similar properties. In an assay testing ATM function, this variant showed a functionally abnormal result (Lee KS et al. Cell, 2025 Sep;188:5081-5099.e27). This amino acid position is highly conserved in available vertebrate species. In addition, this alteration is predicted to be deleterious by in silico analysis. Based on the available evidence, the clinical significance of this variant remains unclear.

Labcorp Genetics (formerly Invitae), Labcorp
Classification: Uncertain significance for Ataxia-telangiectasia syndrome. Last evaluated: 2024-02-19. Review status: criteria provided, single submitter. Criteria: Invitae Variant Classification Sherloc (09022015). Collection method: clinical testing. Allele origin: germline.
Comment: This sequence change replaces isoleucine, which is neutral and non-polar, with methionine, which is neutral and non-polar, at codon 2702 of the ATM protein (p.Ile2702Met). This variant is not present in population databases (gnomAD no frequency). This variant has not been reported in the literature in individuals affected with ATM-related conditions. ClinVar contains an entry for this variant (Variation ID: 1022381). An algorithm developed to predict the effect of missense changes on protein structure and function (PolyPhen-2) suggests that this variant is likely to be disruptive. In summary, the available evidence is currently insufficient to determine the role of this variant in disease. Therefore, it has been classified as a Variant of Uncertain Significance.

Baylor Genetics
Classification: Uncertain significance for Familial cancer of breast. Last evaluated: 2023-05-12. Review status: criteria provided, single submitter. Criteria: ACMG Guidelines, 2015. Collection method: clinical testing. Allele origin: unknown.

Literature cited by the submitters: PubMed 40580951 (cited by Ambry Genetics).